The following is an entry in ClinVar:

NM_006208.3(ENPP1):c.546T>C (p.Ser182=)

Gene: ENPP1 (ectonucleotide pyrophosphatase/phosphodiesterase 1; plus strand). Cytogenetic location: 6q23.2.
Variant type: single nucleotide variant.
Coding change: c.546T>C on transcript NM_006208.3 (MANE Select); coding-DNA position 546, T replaced by C.
Protein change: p.Ser182=; no amino-acid change (serine 182 retained).
Molecular consequence: synonymous variant.
Genome position (GRCh38, 1-based): chr6:131,851,257, T>C. VCF-style: chr6-131851257-T-C. GRCh37 (hg19) VCF-style: chr6-132172397-T-C.
Identifiers: ClinVar variation 2987955 (VCV002987955.3), dbSNP rs772977894, ClinGen allele CA4001924.

ClinVar aggregate classification (germline): Uncertain significance (1 of 4 stars; one submission).

Allele frequency attached by ClinVar (database versions not stated): gnomAD exomes below 0.00001; ExAC 0.00001; gnomAD 0.00001.
gnomAD v4.1: 6 of 1,614,066 alleles (0.00037%); highest among the groups gnomAD compares: African/African-American, 0.0067%; no homozygotes.

Submission:

Labcorp Genetics (formerly Invitae), Labcorp
Classification: Uncertain significance. Last evaluated: 2022-10-30. Review status: criteria provided, single submitter. Criteria: Invitae Variant Classification Sherloc (09022015). Collection method: clinical testing. Allele origin: germline.
Comment: This variant is present in population databases (rs772977894, gnomAD 0.007%). This sequence change affects codon 182 of the ENPP1 mRNA. It is a 'silent' change, meaning that it does not change the encoded amino acid sequence of the ENPP1 protein. This variant has not been reported in the literature in individuals affected with ENPP1-related conditions. In summary, the available evidence is currently insufficient to determine the role of this variant in disease. Therefore, it has been classified as a Variant of Uncertain Significance. Algorithms developed to predict the effect of sequence changes on RNA splicing suggest that this variant may create or strengthen a splice site.